The following is an entry in ClinVar:

ClinVar aggregate classification (germline): Uncertain significance. Review status: criteria provided, multiple submitters, no conflicts (2 of 4 stars). 3 submissions from 3 submitters: Uncertain significance (3). Last evaluated 2024-04-12.

Conditions:
RYR1-related disorder. Also called: RYR1-related condition; RYR1-related disorders. Identifiers: MedGen CN239331.

Allele frequency attached by ClinVar (database versions not stated): gnomAD exomes 0.00001; TOPMed 0.00001; gnomAD 0.00003.
gnomAD v4.1: 19 of 1,614,032 alleles (0.0012%); highest among the groups gnomAD compares: Non-Finnish European, 0.0014%; no homozygotes.

Submissions (3):

Labcorp Genetics (formerly Invitae), Labcorp
Classification: Uncertain significance for RYR1-related disorder. Last evaluated: 2024-04-12. Review status: criteria provided, single submitter. Criteria: Invitae Variant Classification Sherloc (09022015). Collection method: clinical testing. Allele origin: germline.
Comment: This sequence change replaces glycine, which is neutral and non-polar, with aspartic acid, which is acidic and polar, at codon 797 of the RYR1 protein (p.Gly797Asp). This variant is present in population databases (no rsID available, gnomAD 0.01%). This variant has not been reported in the literature in individuals affected with RYR1-related conditions. ClinVar contains an entry for this variant (Variation ID: 444463). Advanced modeling of protein sequence and biophysical properties (such as structural, functional, and spatial information, amino acid conservation, physicochemical variation, residue mobility, and thermodynamic stability) performed at Invitae indicates that this missense variant is expected to disrupt RYR1 protein function with a positive predictive value of 95%. In summary, the available evidence is currently insufficient to determine the role of this variant in disease. Therefore, it has been classified as a Variant of Uncertain Significance.

Athena Diagnostics
Classification: Uncertain significance. Last evaluated: 2023-07-13. Review status: criteria provided, single submitter. Criteria: Athena Diagnostics Criteria. Collection method: clinical testing. Allele origin: unknown.
Comment: Available data are insufficient to determine the clinical significance of the variant at this time. The frequency of this variant in the general population is uninformative in assessment of its pathogenicity. Computational tools predict that this variant is damaging.

CeGaT Center for Human Genetics Tuebingen
Classification: Uncertain significance. Last evaluated: 2017-03-01. Review status: criteria provided, single submitter. Criteria: CeGaT Center For Human Genetics Tuebingen Variant Classification Criteria Version 2. Collection method: clinical testing. Allele origin: germline. Affected: yes. Observed: 1 variant allele.

NM_000540.3(RYR1):c.2390G>A (p.Gly797Asp)

Gene: RYR1 (ryanodine receptor 1; plus strand). Cytogenetic location: 19q13.2.
Variant type: single nucleotide variant.
Coding change: c.2390G>A on transcript NM_000540.3 (MANE Select); coding-DNA position 2390, G replaced by A.
Protein change: p.Gly797Asp; replaces glycine 797 with aspartic acid.
Molecular consequence: missense variant.
Genome position (GRCh38, 1-based): chr19:38,460,404, G>A. VCF-style: chr19-38460404-G-A. GRCh37 (hg19) VCF-style: chr19-38951044-G-A.
Other names: c.2390G>A, p.Gly797Asp (NM_001042723.2); short protein forms G797D.
Identifiers: ClinVar variation 444463 (VCV000444463.50), dbSNP rs896357123, ClinGen allele CA308071226.
Genomic context (GRCh38, chr19:38,460,404, plus strand): 5'-TCAATGATCCCCATTGTCCTTCCTTACCCAGGGTGCGGTTCCTCCTTGGTGGCCGCCATG[G>A]TGAATTCAAGTTCCTGCCCCCACCTGGCTATGCTCCATGCCATGAGGCTGTGCTCCCTCG-3'
Protein context (NP_000531.2, residues 787-807): KVRFLLGGRH[Gly797Asp]EFKFLPPPGY